The following is an entry in ClinVar:

ClinVar aggregate classification (germline): Uncertain significance. Review status: criteria provided, multiple submitters, no conflicts (2 of 4 stars). 2 submissions from 2 submitters: Uncertain significance (2). Last evaluated 2025-04-24.

Conditions:
Inborn genetic diseases. Identifiers: MedGen C0950123, MeSH D030342.

Allele frequency attached by ClinVar (database versions not stated): gnomAD exomes 0.00001; gnomAD 0.00001; TOPMed 0.00001.
gnomAD v4.1: 5 of 1,613,968 alleles (0.00031%); highest among the groups gnomAD compares: Non-Finnish European, 0.00042%; no homozygotes.

Submissions (2):

Labcorp Genetics (formerly Invitae), Labcorp
Classification: Uncertain significance. Last evaluated: 2025-04-24. Review status: criteria provided, single submitter. Criteria: Invitae Variant Classification Sherloc (09022015). Collection method: clinical testing. Allele origin: germline.
Comment: This sequence change replaces glutamic acid, which is acidic and polar, with aspartic acid, which is acidic and polar, at codon 198 of the CASQ1 protein (p.Glu198Asp). This variant is present in population databases (no rsID available, gnomAD 0.0009%). This variant has not been reported in the literature in individuals affected with CASQ1-related conditions. ClinVar contains an entry for this variant (Variation ID: 3012576). Invitae Evidence Modeling of protein sequence and biophysical properties (such as structural, functional, and spatial information, amino acid conservation, physicochemical variation, residue mobility, and thermodynamic stability) indicates that this missense variant is not expected to disrupt CASQ1 protein function with a negative predictive value of 80%. In summary, the available evidence is currently insufficient to determine the role of this variant in disease. Therefore, it has been classified as a Variant of Uncertain Significance.

Ambry Genetics
Classification: Uncertain significance for Inborn genetic diseases. Last evaluated: 2025-04-01. Review status: criteria provided, single submitter. Criteria: Ambry Variant Classification Scheme 2023. Collection method: clinical testing. Allele origin: germline.

NM_001231.5(CASQ1):c.594G>T (p.Glu198Asp)

Gene: CASQ1 (calsequestrin 1; plus strand). Cytogenetic location: 1q23.2.
Variant type: single nucleotide variant.
Coding change: c.594G>T on transcript NM_001231.5 (MANE Select); coding-DNA position 594, G replaced by T.
Protein change: p.Glu198Asp; replaces glutamic acid 198 with aspartic acid.
Molecular consequence: missense variant.
Genome position (GRCh38, 1-based): chr1:160,195,477, G>T. VCF-style: chr1-160195477-G-T. GRCh37 (hg19) VCF-style: chr1-160165267-G-T.
Other names: c.594G>T (NM_001231.4); short protein forms E198D.
Identifiers: ClinVar variation 3012576 (VCV003012576.4), dbSNP rs1477223102, ClinGen allele CA343257443.